The following is an entry in ClinVar:

ClinVar aggregate classification (germline): Likely pathogenic (1 of 4 stars; one submission).

Conditions:
Perlman syndrome (PRLMNS). Identifiers: Orphanet 2849, MedGen C0796113, MONDO:0009965, OMIM 267000.

Submission:

Labcorp Genetics (formerly Invitae), Labcorp
Classification: Likely pathogenic for Perlman syndrome. Last evaluated: 2023-07-16. Review status: criteria provided, single submitter. Criteria: Invitae Variant Classification Sherloc (09022015). Collection method: clinical testing. Allele origin: germline.
Comment: Algorithms developed to predict the effect of sequence changes on RNA splicing suggest that this variant may disrupt the consensus splice site. This sequence change affects a donor splice site in intron 3 of the DIS3L2 gene. It is expected to disrupt RNA splicing. Variants that disrupt the donor or acceptor splice site typically lead to a loss of protein function (PMID: 16199547), and loss-of-function variants in DIS3L2 are known to be pathogenic (PMID: 22306653, 28328139). This variant is not present in population databases (gnomAD no frequency). This variant has not been reported in the literature in individuals affected with DIS3L2-related conditions. In summary, the currently available evidence indicates that the variant is pathogenic, but additional data are needed to prove that conclusively. Therefore, this variant has been classified as Likely Pathogenic.

Literature cited by the submitters: PubMed 16199547; PubMed 22306653; PubMed 28328139.

NM_152383.5(DIS3L2):c.210+1G>C

Gene: DIS3L2 (DIS3 like 3'-5' exoribonuclease 2; plus strand). Cytogenetic location: 2q37.1.
Variant type: single nucleotide variant.
Coding change: c.210+1G>C on transcript NM_152383.5 (MANE Select); the canonical splice donor site of the intron after coding-DNA position 210, G replaced by C.
Molecular consequence: splice donor variant.
Genome position (GRCh38, 1-based): chr2:232,015,672, G>C. VCF-style: chr2-232015672-G-C. GRCh37 (hg19) VCF-style: chr2-232880382-G-C.
Other names: c.210+1G>C (NM_001257281.2, NM_001257282.2).
Identifiers: ClinVar variation 2743753 (VCV002743753.3), dbSNP rs746627444, ClinGen allele CA351152138.
Genomic context (GRCh38, chr2:232,015,672, plus strand): 5'-GAAACTTACATGTCCAAGGAGGATGTTTCAGAAGGCTTGAAGAGAGGAACACTCATCCAG[G>C]TGCTTAAAATCTACTGGAAGGCTATTCTCTGAATATGTAGAATCCAAAACAATCTATTAA-3'